The following is an entry in ClinVar:

ClinVar aggregate classification (germline): Uncertain significance. Review status: criteria provided, multiple submitters, no conflicts (2 of 4 stars). 2 submissions from 2 submitters: Uncertain significance (2). Last evaluated 2024-03-04.

Conditions:
Hereditary spastic paraplegia 28. Also called: Spastic paraplegia 28, autosomal recessive. Identifiers: Orphanet 101008, MedGen C1836295, MONDO:0012256, OMIM 609340.

Allele frequency attached by ClinVar (database versions not stated): TOPMed 0.00009; gnomAD 0.00012 and 0.00016; ExAC 0.00015; gnomAD exomes 0.00015; ESP Exome Variant Server 0.00031.
gnomAD v4.1: 283 of 1,610,172 alleles (0.018%); highest among the groups gnomAD compares: Non-Finnish European, 0.022%; no homozygotes.

Submissions (2):

Mayo Clinic Laboratories, Mayo Clinic
Classification: Uncertain significance. Last evaluated: 2024-03-04. Review status: criteria provided, single submitter. Criteria: ACMG Guidelines, 2015. Collection method: clinical testing. Allele origin: germline. Observed: 1 variant allele.
Comment: PM2

Labcorp Genetics (formerly Invitae), Labcorp
Classification: Uncertain significance for Hereditary spastic paraplegia 28. Last evaluated: 2023-07-10. Review status: criteria provided, single submitter. Criteria: Invitae Variant Classification Sherloc (09022015). Collection method: clinical testing. Allele origin: germline.
Comment: This sequence change replaces glutamine, which is neutral and polar, with lysine, which is basic and polar, at codon 381 of the DDHD1 protein (p.Gln381Lys). This variant is present in population databases (rs143813159, gnomAD 0.03%). This variant has not been reported in the literature in individuals affected with DDHD1-related conditions. ClinVar contains an entry for this variant (Variation ID: 949744). Advanced modeling of protein sequence and biophysical properties (such as structural, functional, and spatial information, amino acid conservation, physicochemical variation, residue mobility, and thermodynamic stability) performed at Invitae indicates that this missense variant is not expected to disrupt DDHD1 protein function. In summary, the available evidence is currently insufficient to determine the role of this variant in disease. Therefore, it has been classified as a Variant of Uncertain Significance.

NM_001160148.2(DDHD1):c.1120C>A (p.Gln374Lys)

Gene: DDHD1 (DDHD domain containing 1; minus strand). Cytogenetic location: 14q22.1.
Variant type: single nucleotide variant.
Coding change: c.1120C>A on transcript NM_001160148.2 (MANE Select); coding-DNA position 1120, C replaced by A.
Protein change: p.Gln374Lys; replaces glutamine 374 with lysine.
Molecular consequence: missense variant.
Genome position (GRCh38, 1-based): chr14:53,093,337, G>T on the plus strand (C>A on the coding strand, the complement: DDHD1 is on the minus strand). VCF-style: chr14-53093337-G-T. GRCh37 (hg19) VCF-style: chr14-53560055-G-T.
Other names: p.Gln381Lys; c.1141C>A, p.Gln381Lys (NM_001160147.2); c.1120C>A, p.Gln374Lys (NM_030637.3); short protein forms Q381K, Q374K.
Identifiers: ClinVar variation 949744 (VCV000949744.6), dbSNP rs143813159, ClinGen allele CA7191318.